The following is an entry in ClinVar:

ClinVar aggregate classification (germline): Pathogenic. Review status: criteria provided, multiple submitters, no conflicts (2 of 4 stars). 14 submissions from 14 submitters: Pathogenic (13). 1 of the submissions does not count toward it. Last evaluated 2026-02-09.

Conditions:
Cardiovascular phenotype. Identifiers: MedGen CN230736.
APOA5-related disorder. Also called: APOA5-related condition.
Hypertriglyceridemia. Also called: Hypertriglyceridaemia. Identifiers: MedGen C0813230, MONDO:0005347, HP:0002155.
Hyperlipoproteinemia. Identifiers: MedGen C0020476, MONDO:0037748, HP:0010980.
Hypertriglyceridemia 1. Also called: Hypertriglyceridemia, familial. Identifiers: MedGen C5444012, MONDO:0007788, OMIM 145750.
Familial type 5 hyperlipoproteinemia. Also called: Hyperlipoproteinemia Type V; HYPERCHYLOMICRONEMIA WITH HYPERPREBETALIPOPROTEINEMIA, FAMILIAL. Identifiers: Orphanet 530849, MedGen C0020481, MONDO:0007762, OMIM 144650.

Allele frequency attached by ClinVar (database versions not stated): gnomAD 0.00005 and 0.00006; TOPMed 0.00005; gnomAD exomes 0.00019.
gnomAD v4.1: 276 of 1,613,128 alleles (0.017%); highest among the groups gnomAD compares: Non-Finnish European, 0.022%; no homozygotes.

Submissions (14):

PreventionGenetics, part of Exact Sciences
Classification: Pathogenic for APOA5-related condition. Last evaluated: 2026-02-09. Review status: criteria provided, single submitter. Criteria: ACMG Guidelines, 2015. Collection method: clinical testing. Allele origin: germline.
Comment: The APOA5 c.289C>T variant is predicted to result in premature protein termination (p.Gln97*). This variant has been reported in individuals with hyperchylomicronemia or hyperlipoproteinemia or hypertriglyceridemia (Charrière et al. 2009. PubMed ID: 19447388; Chokshi et al 2014. PubMed ID: 24793350; Do et al. 2014. PubMed ID: 25487149). This variant has been classified as pathogenic by multiple independent submitters to the ClinVar database (Variation ID: 381733). This variant is reported in 0.016% of alleles in individuals of African descent in gnomAD. Nonsense variants in APOA5 are expected to be pathogenic. This variant is interpreted as pathogenic.

Labcorp Genetics (formerly Invitae), Labcorp
Classification: Pathogenic. Last evaluated: 2025-12-23. Review status: criteria provided, single submitter. Criteria: Invitae Variant Classification Sherloc (09022015). Collection method: clinical testing. Allele origin: germline.
Comment: This sequence change creates a premature translational stop signal (p.Gln97*) in the APOA5 gene. While this is not anticipated to result in nonsense mediated decay, it is expected to disrupt the last 270 amino acid(s) of the APOA5 protein. This variant is present in population databases (rs201079485, gnomAD 0.02%). This premature translational stop signal has been observed in individuals with autosomal dominant and recessive severe hypertriglyceridemia (PMID: 18324930, 19447388, 23151256, 23307945, 24591733). It has also been observed to segregate with disease in related individuals. ClinVar contains an entry for this variant (Variation ID: 381733). For these reasons, this variant has been classified as Pathogenic.

Women's Health and Genetics/Laboratory Corporation of America, LabCorp
Classification: Pathogenic for Hyperlipoproteinemia. Last evaluated: 2025-07-18. Review status: criteria provided, single submitter. Criteria: LabCorp Variant Classification Summary - May 2015. Collection method: clinical testing. Allele origin: germline.
Comment: Variant summary: APOA5 c.289C>T (p.Gln97X) results in a premature termination codon, predicted to cause a truncation of the encoded protein or absence of the protein, which are commonly known mechanisms for disease. The variant allele was found at a frequency of 8e-05 in 248502 control chromosomes. This frequency is not significantly higher than estimated for a pathogenic variant in APOA5 causing Hyperlipoproteinemia type V (8e-05 vs 0.00013), allowing no conclusion about variant significance. c.289C>T has been observed in individual(s) affected with autosomal dominant and recessive severe hypertriglyceridemia/ hyperchylomicronemia (examples: Oliva_JIM_2008 and Charriere_Atherosclerosis_2009). These data indicate that the variant is likely to be associated with disease. The following publications have been ascertained in the context of this evaluation (PMID: 18324930, 19447388). ClinVar contains an entry for this variant (Variation ID: 381733). Based on the evidence outlined above, the variant was classified as pathogenic.

GeneDx
Classification: Pathogenic. Last evaluated: 2025-06-11. Review status: criteria provided, single submitter. Criteria: GeneDx Variant Classification Process June 2021. Collection method: clinical testing. Allele origin: germline. Affected: yes.
Comment: Identified in the heterozygous state in multiple unrelated individuals with features consistent with APOA5-related hypertriglyceridemia in published literature (PMID: 24793350, 18324930, 19447388); Nonsense variant predicted to result in protein truncation in a gene for which loss of function is a known mechanism of disease; Published functional studies suggest a damaging effect, including LPL activity reduced by 90% and mutant protein not detected by Western blot suggesting a null allele (PMID: 19447388); This variant is associated with the following publications: (PMID: 24793350, 34662886, 18324930, 19447388, 23151256, 25487149, 28951076, 27108409, 32041611)

Ambry Genetics
Classification: Pathogenic for Cardiovascular phenotype. Last evaluated: 2025-05-13. Review status: criteria provided, single submitter. Criteria: Ambry Variant Classification Scheme 2023. Collection method: clinical testing. Allele origin: germline.
Comment: The p.Q97* pathogenic mutation (also known as c.289C>T), located in coding exon 3 of the APOA5 gene, results from a C to T substitution at nucleotide position 289. This changes the amino acid from a glutamine to a stop codon within coding exon 3. This mutation has been reported in multiple individuals with hypertriglyceridemia, including severely affected homozygote and compound heterozygote (phase unknown) cases, as well as affected heterozygote carriers (Priore Oliva C et al. J. Intern. Med., 2008 Apr;263:450-8; Charri&egrave;re S et al. Atherosclerosis, 2009 Nov;207:150-6; Dussaillant C et al. BMC Med. Genet., 2012 Nov;13:106; Mendoza-Barber&aacute; E et al. J. Lipid Res., 2013 Mar;54:649-61; Hooper AJ et al. Ann. Clin. Biochem., 2014 Jul;51:485-9; Chokshi N et al. J Clin Lipidol Feb;8:287-95; Lamiquiz-Moneo I et al. Lipids Health Dis, 2016 Apr;15:82). Serum LPL activity was shown to be reduced by approximately 50% in two heterozygote cases and greater than 90% in a homozygous individual (Charri&egrave;re S et al. Atherosclerosis, 2009 Nov;207:150-6). While premature stop codons are typically deleterious in nature, this stop codon occurs at the 3' terminus of APOA5 and is not expected to trigger nonsense-mediated mRNA decay. However, this variant results in the loss of >25% of the protein, including the C-terminal domain which has been implicated in lipid binding, and is expected to result in loss of function by premature protein truncation. This variant is considered to be rare based on population cohorts in the Genome Aggregation Database (gnomAD). As such, this alteration is interpreted as a disease-causing mutation.

Blueprint Genetics
Classification: Pathogenic for APOA5-related disorders. Last evaluated: 2023-11-13. Review status: criteria provided, single submitter. Criteria: ACMG Guidelines, 2015. Collection method: clinical testing. Allele origin: germline. Affected: yes. Observed: 5 variant alleles.

Department of Pathology and Laboratory Medicine, Sinai Health System
Classification: Pathogenic for hypertriglyceridemia 1. Last evaluated: 2022-03-09. Review status: criteria provided, single submitter. Criteria: ACMG Guidelines, 2015. Collection method: research. Allele origin: germline.

MGZ Medical Genetics Center
Classification: Pathogenic for Familial type 5 hyperlipoproteinemia. Last evaluated: 2022-02-18. Review status: criteria provided, single submitter. Criteria: ACMG Guidelines, 2015. Collection method: clinical testing. Allele origin: germline. Affected: yes. Observed: 1 variant allele.
Comment: ACMG criteria applied: PVS1_STR, PS4_MOD, PP1_MOD, PS3_SUP, PM2_SUP

AiLife Diagnostics
Classification: Pathogenic. Last evaluated: 2022-01-17. Review status: criteria provided, single submitter. Criteria: ACMG Guidelines, 2015. Collection method: clinical testing. Allele origin: germline. Affected: yes. Observed: 1 variant allele.

Revvity Omics, Revvity
Classification: Pathogenic for Familial type 5 hyperlipoproteinemia. Last evaluated: 2021-12-21. Review status: criteria provided, single submitter. Criteria: ACMG Guidelines, 2015. Collection method: clinical testing. Allele origin: germline.

Broad Center for Mendelian Genomics, Broad Institute of MIT and Harvard
Classification: Pathogenic for Hypertriglyceridemia. Last evaluated: 2020-01-22. Review status: criteria provided, single submitter. Criteria: ACMG Guidelines, 2015. Collection method: curation. Allele origin: germline. Inheritance: Autosomal dominant inheritance.
Comment: The p.Gln97Ter variant in APOA5 has been reported in 18 individuals with hypertriglyceridemia, segregated with disease in 6 affected relatives from 2 families (PMID: 21993410, 23151256, 23307945, 24291057, 18324930, 24793350, 24591733, 27108409, 19447388, 28951076), and has been identified in 0.01647% (4/24288) of African chromosomes, and at lower frequencies in other populations, by the Genome Aggregation Database (gnomAD; dbSNP rs201079485). In vitro functional studies provide some evidence that the p.Gln97Ter variant may impact protein function (PMID: 18324930). However, these types of assays may not accurately represent biological function. This variant has also been reported in ClinVar (VariaitonID: 381733) as pathogenic by GeneDx. This nonsense variant leads to a premature termination codon at position 97. This alteration occurs within the last exon and is more likely to escape nonsense mediated decay (NMD) and result in a truncated protein. Heterozygous loss of function of the APOA5 gene is an established disease mechanism in hypertriglyceridemia. In summary, this variant meets criteria to be classified as pathogenic for hypertriglyceridemia in an autosomal dominant manner based on the expectation that it will cause loss of function, the increased frequency of the variant in affected individuals and relatives, and functional studies. ACMG/AMP Criteria applied: PVS1_strong, PS4_moderate, PP1_moderate, PS3_supporting (Richards 2015).

Unidad de Genómica Médica UC, Pontificia Universidad Católica de Chile
Classification: Pathogenic for Hypertriglyceridemia 1. Last evaluated: 2019-04-15. Review status: criteria provided, single submitter. Criteria: Dussaillant et al. (BMC Med Genet. 2012). Collection method: case-control. Allele origin: germline. Inheritance: Autosomal recessive inheritance. Affected: yes and no. Observed: 2 heterozygotes, 2 homozygotes. Clinical features observed: Hypertriglyceridemia (HP:0002155).
Comment: Very high triglyceride plasma levels (>112 mmol/L at diagnosis) were found in two sisters of a Chilean consanguineous family, which is strongly suggestive of a recessive highly penetrant mutation. Direct sequencing of the APOA5 gene revealed a known homozygous nonsense Q97X mutation (p.Gln97Ter) found in both affected sisters but not in non-affected relatives nor in a sample of unrelated controls.

Clinical Genetics Service, Universitary Hospital 12 de Octubre
Classification: Pathogenic for Hypertriglyceridemia 1. Review status: criteria provided, single submitter. Criteria: ACMG Guidelines, 2015. Collection method: clinical testing. Allele origin: germline. Affected: yes.

Cardiovascular Genetics Laboratory, PathWest Laboratory Medicine WA - Fiona Stanley Hospital
Classification: Pathogenic for Familial type 5 hyperlipoproteinemia. Last evaluated: 2025-02-20. Review status: no assertion criteria provided. Criteria: ACMG Guidelines, 2015. Collection method: clinical testing. Allele origin: germline. Affected: yes. Not counted in ClinVar's aggregate classification.

Literature cited by the submitters: PubMed 18324930 (cited by 4 submitters); PubMed 19447388 (cited by 4 submitters); PubMed 23151256 (cited by 3 submitters); PubMed 23307945 (cited by 3 submitters); PubMed 24591733 (cited by Labcorp Genetics (formerly Invitae), Labcorp and Ambry Genetics); PubMed 24793350 (cited by Ambry Genetics and AiLife Diagnostics); PubMed 25487149 (cited by Ambry Genetics and AiLife Diagnostics); PubMed 27108409 (cited by Ambry Genetics and AiLife Diagnostics); PubMed 32041611 (cited by AiLife Diagnostics).

NM_001371904.1(APOA5):c.289C>T (p.Gln97Ter)

Gene: APOA5 (apolipoprotein A5; minus strand). Cytogenetic location: 11q23.3.
Variant type: single nucleotide variant.
Coding change: c.289C>T on transcript NM_001371904.1 (MANE Select); coding-DNA position 289, C replaced by T.
Protein change: p.Gln97Ter; replaces glutamine 97 with a stop codon.
Molecular consequence: nonsense.
Genome position (GRCh38, 1-based): chr11:116,790,940, G>A on the plus strand (C>T on the coding strand, the complement: APOA5 is on the minus strand). VCF-style: chr11-116790940-G-A. GRCh37 (hg19) VCF-style: chr11-116661656-G-A.
Other names: c.289C>T (NM_001166598.1, NM_052968.4); c.289C>T, p.Gln97Ter (NM_001166598.2, NM_052968.5); short protein forms Q97*.
Identifiers: ClinVar variation 381733 (VCV000381733.29), dbSNP rs201079485, ClinGen allele CA6289100.